The following is an entry in ClinVar:

NM_000553.6(WRN):c.3383+11_3383+12delinsTT

Gene: WRN (WRN RecQ like helicase; plus strand). Cytogenetic location: 8p12.
Variant type: Indel.
Coding change: c.3383+11_3383+12delinsTT on transcript NM_000553.6 (MANE Select); bases 11 to 12 of the intron after coding-DNA position 3383, CC replaced by TT.
Molecular consequence: intron variant.
Genome position (GRCh38, 1-based): chr8:31,143,634-31,143,635, CC replaced by TT. VCF-style: chr8-31143634-CC-TT. GRCh37 (hg19) VCF-style: chr8-31001150-CC-TT.
Identifiers: ClinVar variation 2848006 (VCV002848006.3), dbSNP rs2536035997, ClinGen allele CA2739279014.

ClinVar aggregate classification (germline): Uncertain significance (1 of 4 stars; one submission).

Conditions:
Werner syndrome (WRN). Identifiers: Orphanet 902, MedGen C0043119, MONDO:0010196, OMIM 277700.

Submission:

Labcorp Genetics (formerly Invitae), Labcorp
Classification: Uncertain significance for Werner syndrome. Last evaluated: 2023-03-21. Review status: criteria provided, single submitter. Criteria: Invitae Variant Classification Sherloc (09022015). Collection method: clinical testing. Allele origin: germline.
Comment: This sequence change falls in intron 28 of the WRN gene. It does not directly change the encoded amino acid sequence of the WRN protein. Information on the frequency of this variant in the gnomAD database is not available, as this variant may be reported differently in the database. This variant has not been reported in the literature in individuals affected with WRN-related conditions. Experimental studies and prediction algorithms are not available or were not evaluated, and the functional significance of this variant is currently unknown. In summary, the available evidence is currently insufficient to determine the role of this variant in disease. Therefore, it has been classified as a Variant of Uncertain Significance.